The following is an entry in ClinVar:

ClinVar aggregate classification (germline): Likely benign (1 of 4 stars; one submission).

Conditions:
TNS2-related disorder. Also called: TNS2-related condition.

gnomAD v4.1: 22 of 1,606,164 alleles (0.0014%); highest among the groups gnomAD compares: African/African-American, 0.0067%; no homozygotes.

Submission:

PreventionGenetics, part of Exact Sciences
Classification: Likely benign for TNS2-related condition. Last evaluated: 2025-02-06. Review status: criteria provided, single submitter. Criteria: ACMG Guidelines, 2015. Collection method: clinical testing. Allele origin: germline.
Comment: This variant is classified as likely benign based on ACMG/AMP sequence variant interpretation guidelines (Richards et al. 2015 PMID: 25741868, with internal and published modifications).

NM_170754.4(TNS2):c.489T>C (p.His163=)

Genes: TNS2 (tensin 2; plus strand), TNS2-AS1 (TNS2 antisense RNA 1; minus strand). Cytogenetic location: 12q13.13.
Variant type: single nucleotide variant.
Coding change: c.489T>C on transcript NM_170754.4 (MANE Select); coding-DNA position 489, T replaced by C.
Protein change: p.His163=; no amino-acid change (histidine 163 retained).
Molecular consequence: synonymous variant. On other transcripts: non-coding transcript variant (1).
Genome position (GRCh38, 1-based): chr12:53,054,408, T>C. VCF-style: chr12-53054408-T-C. GRCh37 (hg19) VCF-style: chr12-53448192-T-C.
Other names: c.489T>C, p.His163= (NM_001416202.1, NM_001416204.1); c.420T>C, p.His140= (NM_001416203.1, NM_015319.3); c.117T>C, p.His39= (NM_198316.2).
Identifiers: ClinVar variation 4978155 (VCV004978155.1).